The following is an entry in ClinVar:

NM_000548.5(TSC2):c.4915C>G (p.Arg1639Gly)

Gene: TSC2 (TSC complex subunit 2; plus strand). Cytogenetic location: 16p13.3.
Variant type: single nucleotide variant.
Coding change: c.4915C>G on transcript NM_000548.5 (MANE Select); coding-DNA position 4915, C replaced by G.
Protein change: p.Arg1639Gly; replaces arginine 1639 with glycine.
Molecular consequence: missense variant. On other transcripts: non-coding transcript variant (5).
Genome position (GRCh38, 1-based): chr16:2,086,797, C>G. VCF-style: chr16-2086797-C-G. GRCh37 (hg19) VCF-style: chr16-2136798-C-G.
Other names: c.3502C>G, p.Arg1168Gly (NM_001406689.1); c.3442C>G, p.Arg1148Gly (NM_001406690.1); c.3439C>G, p.Arg1147Gly (NM_001406691.1); c.3373C>G, p.Arg1125Gly (NM_001406692.1, NM_001406693.1, NM_001406694.1); c.3370C>G, p.Arg1124Gly (NM_001406695.1, NM_001406696.1, NM_001406697.1); c.3112C>G, p.Arg1038Gly (NM_001406698.1); c.4786C>G, p.Arg1596Gly (NM_021055.3, NM_001370405.1); c.4714C>G, p.Arg1572Gly (NM_001077183.3); and 26 more; short protein forms R1038G, R1124G, R1125G, R1147G, R1148G, R1168G, R1372G, R1373G.
Identifiers: ClinVar variation 3232180 (VCV003232180.1), dbSNP rs1555438551, ClinGen allele CA394308532.
Genomic context (GRCh38, chr16:2,086,797, plus strand): 5'-TTCCACATCGCCACCCTGATGCCCACCAAGGACGTGGACAAGCACCGCTGCGACAAGAAG[C>G]GCCACCTGGGCAACGACTTTGTGTCCATTGTCTACAATGACTCCGGTGAGGACTTCAAGC-3'
Protein context (NP_000539.2, residues 1629-1649): DVDKHRCDKK[Arg1639Gly]HLGNDFVSIV

ClinVar aggregate classification (germline): Uncertain significance (1 of 4 stars; one submission).

Conditions:
Hereditary cancer-predisposing syndrome. Also called: Neoplastic Syndromes, Hereditary; Tumor predisposition; Hereditary neoplastic syndrome; Hereditary Cancer Syndrome. Identifiers: Orphanet 140162, MedGen C0027672, MeSH D009386, MONDO:0015356.

Submission:

Ambry Genetics
Classification: Uncertain significance for Hereditary cancer-predisposing syndrome. Last evaluated: 2024-03-08. Review status: criteria provided, single submitter. Criteria: Ambry Variant Classification Scheme 2023. Collection method: clinical testing. Allele origin: germline.
Comment: The p.R1639G variant (also known as c.4915C>G), located in coding exon 37 of the TSC2 gene, results from a C to G substitution at nucleotide position 4915. The arginine at codon 1639 is replaced by glycine, an amino acid with dissimilar properties. This amino acid position is highly conserved in available vertebrate species. In addition, this alteration is predicted to be deleterious by in silico analysis. Based on the available evidence, the clinical significance of this alteration remains unclear.